The following is an entry in ClinVar:

NM_001372.4(DNAH9):c.5331G>A (p.Met1777Ile)

Gene: DNAH9 (dynein axonemal heavy chain 9; plus strand). Cytogenetic location: 17p12.
Variant type: single nucleotide variant.
Coding change: c.5331G>A on transcript NM_001372.4 (MANE Select); coding-DNA position 5331, G replaced by A.
Protein change: p.Met1777Ile; replaces methionine 1777 with isoleucine.
Molecular consequence: missense variant.
Genome position (GRCh38, 1-based): chr17:11,704,382, G>A. VCF-style: chr17-11704382-G-A. GRCh37 (hg19) VCF-style: chr17-11607699-G-A.
Other names: short protein forms M1777I.
Identifiers: ClinVar variation 2636186 (VCV002636186.1), dbSNP rs1288199456, ClinGen allele CA398185043.

ClinVar aggregate classification (germline): Uncertain significance (1 of 4 stars; one submission).

Conditions:
DNAH9-related disorder. Also called: DNAH9-related condition.

Allele frequency attached by ClinVar (database versions not stated): gnomAD exomes below 0.00001; TOPMed below 0.00001.

Submission:

PreventionGenetics, part of Exact Sciences
Classification: Uncertain significance for DNAH9-related condition. Last evaluated: 2022-08-23. Review status: criteria provided, single submitter. Criteria: ACMG Guidelines, 2015. Collection method: clinical testing. Allele origin: germline.
Comment: The DNAH9 c.5331G>A variant is predicted to result in the amino acid substitution p.Met1777Ile. To our knowledge, this variant has not been reported in the literature. This variant is reported in 0.0029% of alleles in individuals of Latino descent in gnomAD. At this time, the clinical significance of this variant is uncertain due to the absence of conclusive functional and genetic evidence.